The following is an entry in ClinVar:

ClinVar aggregate classification (germline): Uncertain significance. Review status: criteria provided, single submitter (1 of 4 stars). 2 submissions from 2 submitters: Uncertain significance (1). 1 of the submissions does not count toward it. Last evaluated 2021-09-01.

Conditions:
Usher syndrome type 2A. Also called: RETINAL DISEASE IN USHER SYNDROME TYPE IIA, MODIFIER OF; USHER SYNDROME, TYPE IIA. Identifiers: Orphanet 231178, Orphanet 886, MedGen C1848634, MONDO:0010169, OMIM 276901.

Allele frequency attached by ClinVar (database versions not stated): gnomAD exomes below 0.00001.
gnomAD v4.1: 4 of 1,614,154 alleles (0.00025%); highest among the groups gnomAD compares: African/African-American, 0.0027%; no homozygotes.

Submissions (2):

Labcorp Genetics (formerly Invitae), Labcorp
Classification: Uncertain significance. Last evaluated: 2021-09-01. Review status: criteria provided, single submitter. Criteria: Invitae Variant Classification Sherloc (09022015). Collection method: clinical testing. Allele origin: germline.
Comment: This sequence change replaces aspartic acid with asparagine at codon 4482 of the USH2A protein (p.Asp4482Asn). The aspartic acid residue is highly conserved and there is a small physicochemical difference between aspartic acid and asparagine. This variant is not present in population databases (ExAC no frequency). This variant has not been reported in the literature in individuals affected with USH2A-related conditions. Algorithms developed to predict the effect of missense changes on protein structure and function output the following: SIFT: "Tolerated"; PolyPhen-2: "Possibly Damaging"; Align-GVGD: "Class C0". The asparagine amino acid residue is found in multiple mammalian species, which suggests that this missense change does not adversely affect protein function. In summary, the available evidence is currently insufficient to determine the role of this variant in disease. Therefore, it has been classified as a Variant of Uncertain Significance.

Natera, Inc.
Classification: Uncertain significance for Usher syndrome type 2A. Last evaluated: 2020-04-07. Review status: no assertion criteria provided. Collection method: clinical testing. Allele origin: germline. Not counted in ClinVar's aggregate classification.

NM_206933.4(USH2A):c.13444G>A (p.Asp4482Asn)

Gene: USH2A (usherin; minus strand). Cytogenetic location: 1q41.
Variant type: single nucleotide variant.
Coding change: c.13444G>A on transcript NM_206933.4 (MANE Select); coding-DNA position 13444, G replaced by A.
Protein change: p.Asp4482Asn; replaces aspartic acid 4482 with asparagine.
Molecular consequence: missense variant.
Genome position (GRCh38, 1-based): chr1:215,674,467, C>T on the plus strand (G>A on the coding strand, the complement: USH2A is on the minus strand). VCF-style: chr1-215674467-C-T. GRCh37 (hg19) VCF-style: chr1-215847809-C-T.
Other names: short protein forms D4482N.
Identifiers: ClinVar variation 1018401 (VCV001018401.3), dbSNP rs1657930957, ClinGen allele CA344845202.